The following is an entry in ClinVar:

ClinVar aggregate classification (germline): Uncertain significance (1 of 4 stars; one submission).

Allele frequency attached by ClinVar (database versions not stated): ExAC 0.00001; gnomAD exomes 0.00001; gnomAD 0.00002; 1000 Genomes Project 30x 0.00016; 1000 Genomes Project 0.00020.
gnomAD v4.1: 12 of 1,427,142 alleles (0.00084%); highest among the groups gnomAD compares: Admixed American, 0.002%; no homozygotes.

Submission:

Labcorp Genetics (formerly Invitae), Labcorp
Classification: Uncertain significance. Last evaluated: 2025-03-03. Review status: criteria provided, single submitter. Criteria: Invitae Variant Classification Sherloc (09022015). Collection method: clinical testing. Allele origin: germline.
Comment: This sequence change replaces glutamic acid, which is acidic and polar, with lysine, which is basic and polar, at codon 794 of the MICAL1 protein (p.Glu794Lys). This variant is present in population databases (rs557399186, gnomAD 0.004%). This variant has not been reported in the literature in individuals affected with MICAL1-related conditions. ClinVar contains an entry for this variant (Variation ID: 2869422). An algorithm developed to predict the effect of missense changes on protein structure and function (PolyPhen-2) suggests that this variant is likely to be tolerated. In summary, the available evidence is currently insufficient to determine the role of this variant in disease. Therefore, it has been classified as a Variant of Uncertain Significance.

NM_022765.4(MICAL1):c.2323G>A (p.Glu775Lys)

Gene: MICAL1 (microtubule associated monooxygenase, calponin and LIM domain containing 1; minus strand). Cytogenetic location: 6q21.
Variant type: single nucleotide variant.
Coding change: c.2323G>A on transcript NM_022765.4 (MANE Select); coding-DNA position 2323, G replaced by A.
Protein change: p.Glu775Lys; replaces glutamic acid 775 with lysine.
Molecular consequence: missense variant.
Genome position (GRCh38, 1-based): chr6:109,446,394, C>T on the plus strand (G>A on the coding strand, the complement: MICAL1 is on the minus strand). VCF-style: chr6-109446394-C-T. GRCh37 (hg19) VCF-style: chr6-109767597-C-T.
Other names: c.2065G>A, p.Glu689Lys (NM_001159291.2); c.2380G>A, p.Glu794Lys (NM_001286613.2); short protein forms E775K, E689K, E794K.
Identifiers: ClinVar variation 2869422 (VCV002869422.3), dbSNP rs557399186, ClinGen allele CA3952928.